The following is an entry in ClinVar:

ClinVar aggregate classification (germline): Uncertain significance. Review status: criteria provided, multiple submitters, no conflicts (2 of 4 stars). 4 submissions from 4 submitters: Uncertain significance (4). Last evaluated 2025-09-14.

Conditions:
Developmental and epileptic encephalopathy, 18 (DEE18). Also called: Early infantile epileptic encephalopathy 18. Identifiers: Orphanet 369894, MedGen C3809624, MONDO:0014201, OMIM 615476.
Inborn genetic diseases. Identifiers: MedGen C0950123, MeSH D030342.

Allele frequency attached by ClinVar (database versions not stated): gnomAD exomes 0.00005; ExAC 0.00006; TOPMed 0.00006; ESP Exome Variant Server 0.00008.
gnomAD v4.1: 74 of 1,553,580 alleles (0.0048%); highest among the groups gnomAD compares: Admixed American, 0.0061%; no homozygotes.

Submissions (4):

Labcorp Genetics (formerly Invitae), Labcorp
Classification: Uncertain significance. Last evaluated: 2025-09-14. Review status: criteria provided, single submitter. Criteria: Invitae Variant Classification Sherloc (09022015). Collection method: clinical testing. Allele origin: germline.
Comment: This sequence change replaces arginine, which is basic and polar, with histidine, which is basic and polar, at codon 1704 of the SZT2 protein (p.Arg1704His). This variant is present in population databases (rs377397872, gnomAD 0.01%). This variant has not been reported in the literature in individuals affected with SZT2-related conditions. ClinVar contains an entry for this variant (Variation ID: 965321). Invitae Evidence Modeling of protein sequence and biophysical properties (such as structural, functional, and spatial information, amino acid conservation, physicochemical variation, residue mobility, and thermodynamic stability) indicates that this missense variant is expected to disrupt SZT2 protein function with a positive predictive value of 80%. In summary, the available evidence is currently insufficient to determine the role of this variant in disease. Therefore, it has been classified as a Variant of Uncertain Significance.

Women's Health and Genetics/Laboratory Corporation of America, LabCorp
Classification: Uncertain significance. Last evaluated: 2025-03-05. Review status: criteria provided, single submitter. Criteria: LabCorp Variant Classification Summary - May 2015. Collection method: clinical testing. Allele origin: germline.
Comment: Variant summary: SZT2 c.5111G>A (p.Arg1704His) results in a non-conservative amino acid change in the encoded protein sequence. Three of five in-silico tools predict a damaging effect of the variant on protein function. The variant allele was found at a frequency of 5e-05 in 199562 control chromosomes. This frequency is not significantly higher than estimated for a pathogenic variant in SZT2 causing Early Infantile Epileptic Encephalopathy 18, allowing no conclusion about variant significance. To our knowledge, no occurrence of c.5111G>A in individuals affected with Early Infantile Epileptic Encephalopathy 18 and no experimental evidence demonstrating its impact on protein function have been reported. ClinVar contains an entry for this variant (Variation ID: 965321). Based on the evidence outlined above, the variant was classified as uncertain significance.

Genome-Nilou Lab
Classification: Uncertain significance for Developmental and epileptic encephalopathy, 18. Last evaluated: 2023-04-11. Review status: criteria provided, single submitter. Criteria: ACMG Guidelines, 2015. Collection method: clinical testing. Allele origin: germline. Affected: no.

Ambry Genetics
Classification: Uncertain significance for Inborn genetic diseases. Last evaluated: 2022-09-28. Review status: criteria provided, single submitter. Criteria: Ambry Variant Classification Scheme 2023. Collection method: clinical testing. Allele origin: germline.

NM_001365999.1(SZT2):c.5282G>A (p.Arg1761His)

Gene: SZT2 (SZT2 subunit of KICSTOR complex; plus strand). Cytogenetic location: 1p34.2.
Variant type: single nucleotide variant.
Coding change: c.5282G>A on transcript NM_001365999.1 (MANE Select); coding-DNA position 5282, G replaced by A.
Protein change: p.Arg1761His; replaces arginine 1761 with histidine.
Molecular consequence: missense variant.
Genome position (GRCh38, 1-based): chr1:43,432,279, G>A. VCF-style: chr1-43432279-G-A. GRCh37 (hg19) VCF-style: chr1-43897950-G-A.
Other names: c.5111G>A, p.Arg1704His (NM_015284.4); short protein forms R1761H, R1704H.
Identifiers: ClinVar variation 965321 (VCV000965321.10), dbSNP rs377397872, ClinGen allele CA809537.